The following is an entry in ClinVar:

ClinVar aggregate classification (germline): Uncertain significance (1 of 4 stars; one submission).

Conditions:
SETBP1-related disorder. Also called: SETBP1-related condition; SETBP1-related disorders.

Submission:

PreventionGenetics, part of Exact Sciences
Classification: Uncertain significance for SETBP1-related condition. Last evaluated: 2024-11-08. Review status: criteria provided, single submitter. Criteria: ACMG Guidelines, 2015. Collection method: clinical testing. Allele origin: germline.
Comment: The SETBP1 c.4199A>T variant is predicted to result in the amino acid substitution p.Lys1400Met. To our knowledge, this variant has not been reported in the literature or in a large population database (gnomAD), indicating this variant is rare. At this time, the clinical significance of this variant is uncertain due to the absence of conclusive functional and genetic evidence.

NM_015559.3(SETBP1):c.4199A>T (p.Lys1400Met)

Gene: SETBP1 (SET binding protein 1; plus strand). Cytogenetic location: 18q12.3.
Variant type: single nucleotide variant.
Coding change: c.4199A>T on transcript NM_015559.3 (MANE Select); coding-DNA position 4199, A replaced by T.
Protein change: p.Lys1400Met; replaces lysine 1400 with methionine.
Molecular consequence: missense variant.
Genome position (GRCh38, 1-based): chr18:45,063,106, A>T. VCF-style: chr18-45063106-A-T. GRCh37 (hg19) VCF-style: chr18-42643071-A-T.
Other names: c.4199A>T, p.Lys1400Met (NM_001379141.1, NM_001379142.1); c.4028A>T, p.Lys1343Met (NM_001410862.1); short protein forms K1343M, K1400M.
Identifiers: ClinVar variation 4996862 (VCV004996862.1).
Genomic context (GRCh38, chr18:45,063,106, plus strand): 5'-GTGCTCAATTTCTTATCTCTTCCCCTCCCGCAGTCGGCTCCTCCCTGAAGAAGAGGTTCA[A>T]GCGGCGGGAGATCGAAGCCATCCAGTGCGAAGTGCGGAAGATGTGCAACTACACCAAGAT-3'
Protein context (NP_056374.2, residues 1390-1410): AVGSSLKKRF[Lys1400Met]RREIEAIQCE